The following is an entry in ClinVar:

NM_000094.4(COL7A1):c.4768G>C (p.Asp1590His)

Gene: COL7A1 (collagen type VII alpha 1 chain; minus strand). Cytogenetic location: 3p21.31.
Variant type: single nucleotide variant.
Coding change: c.4768G>C on transcript NM_000094.4 (MANE Select); coding-DNA position 4768, G replaced by C.
Protein change: p.Asp1590His; replaces aspartic acid 1590 with histidine.
Molecular consequence: missense variant.
Genome position (GRCh38, 1-based): chr3:48,581,587, C>G on the plus strand (G>C on the coding strand, the complement: COL7A1 is on the minus strand). VCF-style: chr3-48581587-C-G. GRCh37 (hg19) VCF-style: chr3-48619020-C-G.
Other names: short protein forms D1590H.
Identifiers: ClinVar variation 4746686 (VCV004746686.2).

ClinVar aggregate classification (germline): Uncertain significance. Review status: criteria provided, multiple submitters, no conflicts (2 of 4 stars). 2 submissions from 2 submitters: Uncertain significance (2). Last evaluated 2026-02-17.

gnomAD v4.1: 65 of 1,614,006 alleles (0.004%); highest among the groups gnomAD compares: Non-Finnish European, 0.0051%; no homozygotes.

Submissions (2):

Women's Health and Genetics/Laboratory Corporation of America, LabCorp
Classification: Uncertain significance. Last evaluated: 2026-02-17. Review status: criteria provided, single submitter. Criteria: LabCorp Variant Classification Summary - May 2015. Collection method: clinical testing. Allele origin: germline.

Labcorp Genetics (formerly Invitae), Labcorp
Classification: Uncertain significance. Last evaluated: 2025-08-10. Review status: criteria provided, single submitter. Criteria: Invitae Variant Classification Sherloc (09022015). Collection method: clinical testing. Allele origin: germline.
Comment: This sequence change replaces aspartic acid, which is acidic and polar, with histidine, which is basic and polar, at codon 1590 of the COL7A1 protein (p.Asp1590His). This variant is present in population databases (rs748897806, gnomAD 0.003%). This variant has not been reported in the literature in individuals affected with COL7A1-related conditions. Invitae Evidence Modeling of protein sequence and biophysical properties (such as structural, functional, and spatial information, amino acid conservation, physicochemical variation, residue mobility, and thermodynamic stability) has been performed for this missense variant. However, the output from this modeling did not meet the statistical confidence thresholds required to predict the impact of this variant on COL7A1 protein function. In summary, the available evidence is currently insufficient to determine the role of this variant in disease. Therefore, it has been classified as a Variant of Uncertain Significance.